The following is an entry in ClinVar:

NM_001253697.2(ERBIN):c.2434A>G (p.Lys812Glu)

Gene: ERBIN (erbb2 interacting protein; plus strand). Cytogenetic location: 5q12.3.
Variant type: single nucleotide variant.
Coding change: c.2434A>G on transcript NM_001253697.2 (MANE Select); coding-DNA position 2434, A replaced by G.
Protein change: p.Lys812Glu; replaces lysine 812 with glutamic acid.
Molecular consequence: missense variant.
Genome position (GRCh38, 1-based): chr5:66,053,752, A>G. VCF-style: chr5-66053752-A-G. GRCh37 (hg19) VCF-style: chr5-65349580-A-G.
Other names: c.2434A>G, p.Lys812Glu (NM_001006600.3, NM_001253698.2, NM_001253699.2 and 1 more transcripts); c.2422A>G, p.Lys808Glu (NM_001253701.2); short protein forms K808E, K812E.
Identifiers: ClinVar variation 2735975 (VCV002735975.3), dbSNP rs2546811681, ClinGen allele CA359866859.

ClinVar aggregate classification (germline): Uncertain significance (1 of 4 stars; one submission).

Submission:

Labcorp Genetics (formerly Invitae), Labcorp
Classification: Uncertain significance. Last evaluated: 2023-07-06. Review status: criteria provided, single submitter. Criteria: Invitae Variant Classification Sherloc (09022015). Collection method: clinical testing. Allele origin: germline.
Comment: This sequence change replaces lysine, which is basic and polar, with glutamic acid, which is acidic and polar, at codon 812 of the ERBIN protein (p.Lys812Glu). This variant is not present in population databases (gnomAD no frequency). This variant has not been reported in the literature in individuals affected with ERBIN-related conditions. Algorithms developed to predict the effect of missense changes on protein structure and function output the following: SIFT: "Not Available"; PolyPhen-2: "Benign"; Align-GVGD: "Not Available". The glutamic acid amino acid residue is found in multiple mammalian species, which suggests that this missense change does not adversely affect protein function. In summary, the available evidence is currently insufficient to determine the role of this variant in disease. Therefore, it has been classified as a Variant of Uncertain Significance.